The following is an entry in ClinVar:

ClinVar aggregate classification (germline): Uncertain significance (1 of 4 stars; one submission).

Conditions:
Neuropathy, hereditary sensory and autonomic, type 2A (HSAN2A). Also called: ACROOSTEOLYSIS, GIACCAI TYPE; ACROOSTEOLYSIS, NEUROGENIC; MORVAN DISEASE; NEUROPATHY, CONGENITAL SENSORY; NEUROPATHY, HEREDITARY SENSORY RADICULAR, AUTOSOMAL RECESSIVE; NEUROPATHY, HEREDITARY SENSORY, TYPE IIA. Identifiers: Orphanet 970, MedGen C2752089, MONDO:0024309, OMIM 201300.
Generalized epilepsy with febrile seizures plus, type 7 (GEFSP7). Also called: GEFS+, TYPE 7. Identifiers: Orphanet 36387, MedGen C2751778, MONDO:0013470, OMIM 613863.

Submission:

Labcorp Genetics (formerly Invitae), Labcorp
Classification: Uncertain significance for Neuropathy, hereditary sensory and autonomic, type 2A; Generalized epilepsy with febrile seizures plus, type 7. Last evaluated: 2017-08-30. Review status: criteria provided, single submitter. Criteria: Invitae Variant Classification Sherloc (09022015). Collection method: clinical testing. Allele origin: germline.
Comment: This sequence change replaces glycine with arginine at codon 520 of the SCN9A protein (p.Gly520Arg). The glycine residue is highly conserved and there is a moderate physicochemical difference between glycine and arginine. This variant is not present in population databases (ExAC no frequency). In summary, the available evidence is currently insufficient to determine the role of this variant in disease. Therefore, it has been classified as a Variant of Uncertain Significance. Algorithms developed to predict the effect of missense changes on protein structure and function do not agree on the potential impact of this missense change (SIFT: "Tolerated"; PolyPhen-2: "Possibly Damaging"; Align-GVGD: "Class C0"). This variant has not been reported in the literature in individuals with SCN9A-related disease.

NM_001365536.1(SCN9A):c.1558G>C (p.Gly520Arg)

Genes: SCN1A-AS1 (SCN1A and SCN9A antisense RNA 1; plus strand), SCN9A (sodium voltage-gated channel alpha subunit 9; minus strand). Cytogenetic location: 2q24.3.
Variant type: single nucleotide variant.
Coding change: c.1558G>C on transcript NM_001365536.1 (MANE Select); coding-DNA position 1558, G replaced by C.
Protein change: p.Gly520Arg; replaces glycine 520 with arginine.
Molecular consequence: missense variant.
Genome position (GRCh38, 1-based): chr2:166,286,380, C>G on the plus strand (G>C on the coding strand, the complement: SCN9A is on the minus strand). VCF-style: chr2-166286380-C-G. GRCh37 (hg19) VCF-style: chr2-167142890-C-G.
Other names: c.1558G>C, p.Gly520Arg (NM_002977.4); short protein forms G520R.
Identifiers: ClinVar variation 538461 (VCV000538461.9), dbSNP rs1553490304, ClinGen allele CA349084351.
Genomic context (GRCh38, chr2:166,286,380, plus strand): 5'-GCAATTTGGGTGGTACCTGATTGGGGGTAGACAACCTCTTTTCATGTGCTCGCCTATGCC[C>G]TTCGACACCAAGGTGGAAACTTTTTCTTCTGATGCTGTCCTCTGATTCTGATTTCGACAA-3'
Protein context (NP_001352465.1, residues 510-530): RRKSFHLGVE[Gly520Arg]HRRAHEKRLS